The following is an entry in ClinVar:

NM_015450.3(POT1):c.1006+16A>G

Gene: POT1 (protection of telomeres 1; minus strand). Cytogenetic location: 7q31.33.
Variant type: single nucleotide variant.
Coding change: c.1006+16A>G on transcript NM_015450.3 (MANE Select); 16 bases into the intron after coding-DNA position 1006, A replaced by G.
Molecular consequence: intron variant.
Genome position (GRCh38, 1-based): chr7:124,846,926, T>C on the plus strand (A>G on the coding strand, the complement: POT1 is on the minus strand). VCF-style: chr7-124846926-T-C. GRCh37 (hg19) VCF-style: chr7-124486980-T-C.
Other names: c.613+16A>G (NM_001042594.2).
Identifiers: ClinVar variation 516585 (VCV000516585.11), dbSNP rs7794637, ClinGen allele CA4465265.

ClinVar aggregate classification (germline): Benign/Likely benign. Review status: criteria provided, multiple submitters, no conflicts (2 of 4 stars). 4 submissions from 4 submitters: Benign (3); Likely benign (1). Last evaluated 2026-02-04.

Conditions:
Tumor predisposition syndrome 3 (TPDS3). Also called: Glioma susceptibility 9; LONG TELOMERE SYNDROME, POT1-RELATED; POT1 Tumor Predisposition; Melanoma, cutaneous malignant, susceptibility to, 10. Identifiers: Orphanet 618, MedGen C4014476, MONDO:0014368, OMIM 615848.

Allele frequency attached by ClinVar (database versions not stated): gnomAD exomes 0.68291 and 0.69379; ExAC 0.69502; gnomAD 0.70530 and 0.70871; ESP Exome Variant Server 0.71044; TOPMed 0.71180; 1000 Genomes Project 30x 0.72096; 1000 Genomes Project 0.72185.
gnomAD v4.1: 1,057,084 of 1,541,844 alleles (69%); highest among the groups gnomAD compares: East Asian, 79%; 363,760 homozygotes.

Submissions (4):

Labcorp Genetics (formerly Invitae), Labcorp
Classification: Benign for Tumor predisposition syndrome 3. Last evaluated: 2026-02-04. Review status: criteria provided, single submitter. Criteria: Invitae Variant Classification Sherloc (09022015). Collection method: clinical testing. Allele origin: germline.

Blueprint Genetics
Classification: Likely benign. Last evaluated: 2024-11-27. Review status: criteria provided, single submitter. Criteria: ACMG Guidelines, 2015. Collection method: clinical testing. Allele origin: germline.

GeneDx
Classification: Benign. Last evaluated: 2017-10-11. Review status: criteria provided, single submitter. Criteria: GeneDx Variant Classification (06012015). Collection method: clinical testing. Allele origin: germline. Affected: yes.
Comment: This variant is considered likely benign or benign based on one or more of the following criteria: it is a conservative change, it occurs at a poorly conserved position in the protein, it is predicted to be benign by multiple in silico algorithms, and/or has population frequency not consistent with disease.

Breakthrough Genomics
Classification: Benign. Review status: criteria provided, single submitter. Criteria: ACMG Guidelines, 2015. Collection method: not provided. Allele origin: germline. Inheritance: Autosomal dominant inheritance. Affected: yes.